The following is an entry in ClinVar:

ClinVar aggregate classification (germline): Likely pathogenic (1 of 4 stars; one submission).

Conditions:
Primary ciliary dyskinesia. Also called: Ciliary dyskinesia. Identifiers: Orphanet 244, MedGen C0008780, MONDO:0016575, HP:0012265.

Submission:

Labcorp Genetics (formerly Invitae), Labcorp
Classification: Likely pathogenic for Primary ciliary dyskinesia. Last evaluated: 2020-11-21. Review status: criteria provided, single submitter. Criteria: Invitae Variant Classification Sherloc (09022015). Collection method: clinical testing. Allele origin: germline.
Comment: Algorithms developed to predict the effect of sequence changes on RNA splicing suggest that this variant may disrupt the consensus splice site, but this prediction has not been confirmed by published transcriptional studies. This variant has not been reported in the literature in individuals with DNAI1-related conditions. This variant is not present in population databases (ExAC no frequency). This sequence change affects an acceptor splice site in intron 18 of the DNAI1 gene. It is expected to disrupt RNA splicing. Variants that disrupt the donor or acceptor splice site typically lead to a loss of protein function (PMID: 16199547), and loss-of-function variants in DNAI1 are known to be pathogenic (PMID: 16858015, 29363216). In summary, the currently available evidence indicates that the variant is pathogenic, but additional data are needed to prove that conclusively. Therefore, this variant has been classified as Likely Pathogenic.

Literature cited by the submitters: PubMed 16199547; PubMed 16858015; PubMed 29363216.

NM_012144.4(DNAI1):c.1819-2A>G

Gene: DNAI1 (dynein axonemal intermediate chain 1; plus strand). Cytogenetic location: 9p13.3.
Variant type: single nucleotide variant.
Coding change: c.1819-2A>G on transcript NM_012144.4 (MANE Select); the canonical splice acceptor site of the intron before coding-DNA position 1819, A replaced by G.
Molecular consequence: splice acceptor variant.
Genome position (GRCh38, 1-based): chr9:34,517,283, A>G. VCF-style: chr9-34517283-A-G. GRCh37 (hg19) VCF-style: chr9-34517281-A-G.
Other names: c.1831-2A>G (NM_001281428.2).
Identifiers: ClinVar variation 1490637 (VCV001490637.8), dbSNP rs2132086408, ClinGen allele CA373266091.